The following is an entry in ClinVar:

NM_001367624.2(ZNF469):c.2042C>G (p.Ala681Gly)

Gene: ZNF469 (zinc finger protein 469; plus strand). Cytogenetic location: 16q24.2.
Variant type: single nucleotide variant.
Coding change: c.2042C>G on transcript NM_001367624.2 (MANE Select); coding-DNA position 2042, C replaced by G.
Protein change: p.Ala681Gly; replaces alanine 681 with glycine.
Molecular consequence: missense variant.
Genome position (GRCh38, 1-based): chr16:88,429,512, C>G. VCF-style: chr16-88429512-C-G. GRCh37 (hg19) VCF-style: chr16-88495920-C-G.
Other names: short protein forms A681G.
Identifiers: ClinVar variation 4887401 (VCV004887401.1).

ClinVar aggregate classification (germline): Uncertain significance (1 of 4 stars; one submission).

gnomAD v4.1: 27 of 1,528,410 alleles (0.0018%); highest among the groups gnomAD compares: Non-Finnish European, 0.0024%; no homozygotes.

Submission:

Women's Health and Genetics/Laboratory Corporation of America, LabCorp
Classification: Uncertain significance. Last evaluated: 2026-06-09. Review status: criteria provided, single submitter. Criteria: LabCorp Variant Classification Summary - May 2015. Collection method: clinical testing. Allele origin: germline.
Comment: Variant summary: ZNF469 c.2042C>G (p.Ala681Gly) results in a non-conservative amino acid change in the encoded protein sequence. Algorithms developed to predict the effect of missense changes on protein structure and function are either unavailable or do not agree on the potential impact of this missense change. The variant was absent in 149382 control chromosomes. The available data on variant occurrences in the general population are insufficient to allow any conclusion about variant significance. To our knowledge, no occurrence of c.2042C>G in individuals affected with ZNF469-related conditions and no experimental evidence demonstrating its impact on protein function have been reported. No submitters have cited clinical-significance assessments for this variant to ClinVar. Based on the evidence outlined above, the variant was classified as uncertain significance.